The following is an entry in ClinVar:

ClinVar aggregate classification (germline): Pathogenic (1 of 4 stars; one submission).

Conditions:
Netherton syndrome (NETH). Also called: NETHERTON DISEASE; ERYTHRODERMA, ICHTHYOSIFORM, WITH HYPOTRICHOSIS AND HYPER-IgE; COMEL-NETHERTON SYNDROME. Identifiers: Orphanet 634, MedGen C5574950, MONDO:0009735, OMIM 256500.

gnomAD v4.1: 5 of 1,613,630 alleles (0.00031%); highest among the groups gnomAD compares: Non-Finnish European, 0.00042%; no homozygotes.

Submission:

Institute of Human Genetics, University of Leipzig Medical Center
Classification: Pathogenic for Netherton syndrome. Last evaluated: 2025-05-23. Review status: criteria provided, single submitter. Criteria: ACMG Guidelines, 2015. Collection method: clinical testing. Allele origin: unknown. Inheritance: Autosomal recessive inheritance. Affected: yes.
Comment: Criteria applied: PVS1,PM2; Identified as compund heterozygous with NM_006846.4:c.891C>T

NM_006846.4(SPINK5):c.1320C>A (p.Tyr440Ter)

Gene: SPINK5 (serine peptidase inhibitor Kazal type 5; plus strand). Cytogenetic location: 5q32.
Variant type: single nucleotide variant.
Coding change: c.1320C>A on transcript NM_006846.4 (MANE Select); coding-DNA position 1320, C replaced by A.
Protein change: p.Tyr440Ter; replaces tyrosine 440 with a stop codon.
Molecular consequence: nonsense.
Genome position (GRCh38, 1-based): chr5:148,101,798, C>A. VCF-style: chr5-148101798-C-A. GRCh37 (hg19) VCF-style: chr5-147481361-C-A.
Other names: c.1320C>A, p.Tyr440Ter (NM_001127698.2, NM_001127699.2); short protein forms Y440*.
Identifiers: ClinVar variation 3901167 (VCV003901167.1).
Genomic context (GRCh38, chr5:148,101,798, plus strand): 5'-AGCCTATGTTCAACACTTTCAACTTCCTGCCTCAATTTCACAGGAGTTGTGTAGTGAATA[C>A]CGCAAATCCAGGAAAAACGGACGGCTTTTTTGCACCAGAGAGAATGACCCCATCCAGGGC-3'